The following is an entry in ClinVar:

ClinVar aggregate classification (germline): Uncertain significance. Review status: criteria provided, multiple submitters, no conflicts (2 of 4 stars). 2 submissions from 2 submitters: Uncertain significance (2). Last evaluated 2025-10-28.

Conditions:
Hereditary cancer-predisposing syndrome. Also called: Hereditary neoplastic syndrome; Neoplastic Syndromes, Hereditary; Hereditary Cancer Syndrome; Tumor predisposition. Identifiers: Orphanet 140162, MedGen C0027672, MeSH D009386, MONDO:0015356.
Neuroblastoma, susceptibility to, 3. Also called: ALK-Related Neuroblastic Tumor Susceptibility. Identifiers: Orphanet 635, MedGen C2751681, MONDO:0013083, OMIM 613014.

Submissions (2):

Labcorp Genetics (formerly Invitae), Labcorp
Classification: Uncertain significance for Neuroblastoma, susceptibility to, 3. Last evaluated: 2025-10-28. Review status: criteria provided, single submitter. Criteria: Invitae Variant Classification Sherloc (09022015). Collection method: clinical testing. Allele origin: germline.
Comment: This sequence change replaces glycine, which is neutral and non-polar, with alanine, which is neutral and non-polar, at codon 1474 of the ALK protein (p.Gly1474Ala). This variant is not present in population databases (gnomAD no frequency). This variant has not been reported in the literature in individuals affected with ALK-related conditions. ClinVar contains an entry for this variant (Variation ID: 1387747). An algorithm developed to predict the effect of missense changes on protein structure and function (PolyPhen-2) suggests that this variant is likely to be disruptive. In summary, the available evidence is currently insufficient to determine the role of this variant in disease. Therefore, it has been classified as a Variant of Uncertain Significance.

Ambry Genetics
Classification: Uncertain significance for Hereditary cancer-predisposing syndrome. Last evaluated: 2024-03-09. Review status: criteria provided, single submitter. Criteria: Ambry Variant Classification Scheme 2023. Collection method: clinical testing. Allele origin: germline.
Comment: The p.G1474A variant (also known as c.4421G>C), located in coding exon 29 of the ALK gene, results from a G to C substitution at nucleotide position 4421. The glycine at codon 1474 is replaced by alanine, an amino acid with similar properties. This amino acid position is conserved. In addition, this alteration is predicted to be deleterious by in silico analysis. Based on the available evidence, the clinical significance of this alteration remains unclear.

NM_004304.5(ALK):c.4421G>C (p.Gly1474Ala)

Gene: ALK (ALK receptor tyrosine kinase; minus strand). Cytogenetic location: 2p23.2.
Variant type: single nucleotide variant.
Coding change: c.4421G>C on transcript NM_004304.5 (MANE Select); coding-DNA position 4421, G replaced by C.
Protein change: p.Gly1474Ala; replaces glycine 1474 with alanine.
Molecular consequence: missense variant.
Genome position (GRCh38, 1-based): chr2:29,193,666, C>G on the plus strand (G>C on the coding strand, the complement: ALK is on the minus strand). VCF-style: chr2-29193666-C-G. GRCh37 (hg19) VCF-style: chr2-29416532-C-G.
Other names: c.1217G>C, p.Gly406Ala (NM_001353765.2); c.4421G>C (NM_004304.4); short protein forms G1474A, G406A.
Identifiers: ClinVar variation 1387747 (VCV001387747.9), dbSNP rs1293939080, ClinGen allele CA346462153.